The following is an entry in ClinVar:

NM_001199267.2(DGKZ):c.2456G>A (p.Arg819Gln)

Gene: DGKZ (diacylglycerol kinase zeta; plus strand). Cytogenetic location: 11p11.2.
Variant type: single nucleotide variant.
Coding change: c.2456G>A on transcript NM_001199267.2 (MANE Select); coding-DNA position 2456, G replaced by A.
Protein change: p.Arg819Gln; replaces arginine 819 with glutamine.
Molecular consequence: missense variant.
Genome position (GRCh38, 1-based): chr11:46,379,031, G>A. VCF-style: chr11-46379031-G-A. GRCh37 (hg19) VCF-style: chr11-46400581-G-A.
Other names: c.3023G>A, p.Arg1008Gln (NM_001105540.2); c.2459G>A, p.Arg820Gln (NM_001199266.2, NM_003646.4); c.2390G>A, p.Arg797Gln (NM_001199268.2); c.2507G>A, p.Arg836Gln (NM_201532.3); c.2471G>A, p.Arg824Gln (NM_201533.3); short protein forms R820Q, R836Q, R819Q, R824Q, R1008Q, R797Q.
Identifiers: ClinVar variation 1482868 (VCV001482868.8), dbSNP rs538300752, ClinGen allele CA5963282.

ClinVar aggregate classification (germline): Uncertain significance (1 of 4 stars; one submission).

Allele frequency attached by ClinVar (database versions not stated): gnomAD 0.00001 and 0.00002; ExAC 0.00008; gnomAD exomes 0.00009; 1000 Genomes Project 30x 0.00016; 1000 Genomes Project 0.00020.
gnomAD v4.1: 65 of 1,591,264 alleles (0.0041%); highest among the groups gnomAD compares: South Asian, 0.055%; 1 homozygote.

Submission:

Labcorp Genetics (formerly Invitae), Labcorp
Classification: Uncertain significance. Last evaluated: 2021-02-20. Review status: criteria provided, single submitter. Criteria: Invitae Variant Classification Sherloc (09022015). Collection method: clinical testing. Allele origin: germline.
Comment: This variant has not been reported in the literature in individuals with DGKZ-related conditions. In summary, the available evidence is currently insufficient to determine the role of this variant in disease. Therefore, it has been classified as a Variant of Uncertain Significance. Algorithms developed to predict the effect of missense changes on protein structure and function (SIFT, PolyPhen-2, Align-GVGD) all suggest that this variant is likely to be tolerated, but these predictions have not been confirmed by published functional studies and their clinical significance is uncertain. This variant is present in population databases (rs538300752, ExAC 0.06%). This sequence change replaces arginine with glutamine at codon 1008 of the DGKZ protein (p.Arg1008Gln). The arginine residue is moderately conserved and there is a small physicochemical difference between arginine and glutamine.